The following is an entry in ClinVar:

ClinVar aggregate classification (germline): Uncertain significance (1 of 4 stars; one submission).

Submission:

Labcorp Genetics (formerly Invitae), Labcorp
Classification: Uncertain significance. Last evaluated: 2025-01-06. Review status: criteria provided, single submitter. Criteria: Invitae Variant Classification Sherloc (09022015). Collection method: clinical testing. Allele origin: germline.
Comment: This sequence change replaces glutamine, which is neutral and polar, with arginine, which is basic and polar, at codon 987 of the ASPM protein (p.Gln987Arg). This variant is not present in population databases (gnomAD no frequency). This variant has not been reported in the literature in individuals affected with ASPM-related conditions. Invitae Evidence Modeling of protein sequence and biophysical properties (such as structural, functional, and spatial information, amino acid conservation, physicochemical variation, residue mobility, and thermodynamic stability) indicates that this missense variant is not expected to disrupt ASPM protein function with a negative predictive value of 80%. In summary, the available evidence is currently insufficient to determine the role of this variant in disease. Therefore, it has been classified as a Variant of Uncertain Significance.

NM_018136.5(ASPM):c.2960A>G (p.Gln987Arg)

Gene: ASPM (assembly factor for spindle microtubules; minus strand). Cytogenetic location: 1q31.3.
Variant type: single nucleotide variant.
Coding change: c.2960A>G on transcript NM_018136.5 (MANE Select); coding-DNA position 2960, A replaced by G.
Protein change: p.Gln987Arg; replaces glutamine 987 with arginine.
Molecular consequence: missense variant.
Genome position (GRCh38, 1-based): chr1:197,125,168, T>C on the plus strand (A>G on the coding strand, the complement: ASPM is on the minus strand). VCF-style: chr1-197125168-T-C. GRCh37 (hg19) VCF-style: chr1-197094298-T-C.
Other names: c.2960A>G, p.Gln987Arg (NM_001206846.2); short protein forms Q987R.
Identifiers: ClinVar variation 3690645 (VCV003690645.2).